The following is an entry in ClinVar:

NM_001690.4(ATP6V1A):c.107G>T (p.Gly36Val)

Gene: ATP6V1A (ATPase H+ transporting V1 subunit A; plus strand). Cytogenetic location: 3q13.31.
Variant type: single nucleotide variant.
Coding change: c.107G>T on transcript NM_001690.4 (MANE Select); coding-DNA position 107, G replaced by T.
Protein change: p.Gly36Val; replaces glycine 36 with valine.
Molecular consequence: missense variant.
Genome position (GRCh38, 1-based): chr3:113,781,074, G>T. VCF-style: chr3-113781074-G-T. GRCh37 (hg19) VCF-style: chr3-113499921-G-T.
Other names: short protein forms G36V.
Identifiers: ClinVar variation 4975291 (VCV004975291.1).

ClinVar aggregate classification (germline): Uncertain significance (1 of 4 stars; one submission).

Submission:

GeneDx
Classification: Uncertain significance. Last evaluated: 2026-02-06. Review status: criteria provided, single submitter. Criteria: GeneDx Variant Classification Process June 2021. Collection method: clinical testing. Allele origin: germline.
Comment: Not observed at significant frequency in large population cohorts (gnomAD); In silico analysis supports that this missense variant has a deleterious effect on protein structure/function; Has not been previously published as pathogenic or benign to our knowledge